The following is an entry in ClinVar:

NM_000466.3(PEX1):c.304_305delinsA (p.Ser102fs)

Gene: PEX1 (peroxisomal biogenesis factor 1; minus strand). Cytogenetic location: 7q21.2.
Variant type: Indel.
Coding change: c.304_305delinsA on transcript NM_000466.3 (MANE Select); coding-DNA positions 304 to 305, TC replaced by A.
Protein change: p.Ser102fs; shifts the reading frame from serine 102.
Molecular consequence: frameshift variant. On other transcripts: 5 prime UTR variant (1).
Genome position (GRCh38, 1-based): chr7:92,519,047-92,519,048, GA replaced by T on the plus strand (TC replaced by A on the coding strand, the reverse complement: PEX1 is on the minus strand). VCF-style: chr7-92519047-GA-T. GRCh37 (hg19) VCF-style: chr7-92148361-GA-T.
Other names: c.304_305delinsA, p.Ser102fs (NM_001282677.2); c.-356_-355delinsA (NM_001282678.2); c.304_305delTCinsA (NM_000466.2); short protein forms S102fs.
Identifiers: ClinVar variation 2677605 (VCV002677605.3), dbSNP rs2484706962, ClinGen allele CA2695199574.

ClinVar aggregate classification (germline): Pathogenic/Likely pathogenic. Review status: criteria provided, multiple submitters, no conflicts (2 of 4 stars). 3 submissions from 3 submitters: Pathogenic (1); Likely pathogenic (2). Last evaluated 2025-12-02.

Conditions:
Heimler syndrome 1 (HMLR1). Also called: PEROXISOME BIOGENESIS DISORDER 1C. Identifiers: Orphanet 3220, MedGen C4551980, OMIM 234580, MONDO:0024544.
Peroxisome biogenesis disorder. Identifiers: Orphanet 79189, MedGen C1832200, MONDO:0019234. Disease mechanism: loss of function.
Zellweger spectrum disorders (ZS). Also called: Zellweger syndrome; Zellweger Spectrum Disorder (ZSD); Zellweger Spectrum Disorder; Zellweger Spectrum. Identifiers: Orphanet 912, MedGen C0043459, MONDO:0019609.

Submissions (3):

Myriad Genetics, Inc.
Classification: Pathogenic for Peroxisome biogenesis disorder. Last evaluated: 2025-12-02. Review status: criteria provided, single submitter. Criteria: Myriad Autosomal Dominant, Autosomal Recessive and X-Linked Classification Criteria (2023). Collection method: clinical testing. Allele origin: unknown.
Comment: NM_000466.2(PEX1):c.304_305delTCinsA(S102Ifs*30) is a frameshift variant classified as pathogenic in the context of peroxisome biogenesis disorder type 1. S102Ifs*30 has not been observed in cases with relevant disease. Relevant functional assessments of this variant are not available in the literature. S102Ifs*30 has not been observed in referenced population frequency databases. In summary, NM_000466.2(PEX1):c.304_305delTCinsA(S102Ifs*30) is a frameshift variant in a gene where loss of function is a known mechanism of disease and is predicted to disrupt protein function. Please note: this variant was assessed in the context of healthy population screening.

Natera, Inc.
Classification: Likely pathogenic for Zellweger syndrome. Last evaluated: 2024-05-01. Review status: criteria provided, single submitter. Criteria: Natera Variant Classification Schema (03/2026). Collection method: clinical testing. Allele origin: germline.
Comment: The c.304_305delTCinsA variant in PEX1 is a frameshift variant predicted to shift the reading frame beginning at codon 102 and leads to a stop codon 30 codons downstream. This variant is expected to result in nonsense mediated decay, truncation, or a dysfunctional protein product. This variant is rare in the general population with a frequency below the threshold expected for the associated phenotype(s). Given the available evidence, this variant is classified as Likely Pathogenic.

Baylor Genetics
Classification: Likely pathogenic for Heimler syndrome 1. Last evaluated: 2023-10-09. Review status: criteria provided, single submitter. Criteria: ACMG Guidelines, 2015. Collection method: clinical testing. Allele origin: unknown.